The following is an entry in ClinVar:

ClinVar aggregate classification (germline): Pathogenic (1 of 4 stars; one submission).

Conditions:
Alkaptonuria (AKU). Also called: Homogentisic acidura; Alkaptonuric ochronosis; Alcaptonuria; HOMOGENTISIC ACID OXIDASE DEFICIENCY. Identifiers: Orphanet 56, MedGen C0002066, MONDO:0008753, OMIM 203500.

Submission:

Labcorp Genetics (formerly Invitae), Labcorp
Classification: Pathogenic for Alkaptonuria. Last evaluated: 2022-10-08. Review status: criteria provided, single submitter. Criteria: Invitae Variant Classification Sherloc (09022015). Collection method: clinical testing. Allele origin: germline.
Comment: For these reasons, this variant has been classified as Pathogenic. This variant has not been reported in the literature in individuals affected with HGD-related conditions. This variant is not present in population databases (gnomAD no frequency). This sequence change creates a premature translational stop signal (p.Val34Serfs*77) in the HGD gene. It is expected to result in an absent or disrupted protein product. Loss-of-function variants in HGD are known to be pathogenic (PMID: 12501223, 19862842).

Literature cited by the submitters: PubMed 12501223; PubMed 19862842.

NM_000187.4(HGD):c.100del (p.Val34fs)

Gene: HGD (homogentisate 1,2-dioxygenase; minus strand). Cytogenetic location: 3q13.33.
Variant type: Deletion.
Coding change: c.100del on transcript NM_000187.4 (MANE Select); coding-DNA position 100, one base deleted (G; older notation c.100delG).
Protein change: p.Val34fs; shifts the reading frame from valine 34.
Molecular consequence: frameshift variant.
Genome position (GRCh38, 1-based): chr3:120,674,977, C deleted on the plus strand (G on the coding strand, the reverse complement: HGD is on the minus strand); the first of 2 consecutive C bases (chr3:120,674,977-120,674,978); deleting either gives the same sequence. VCF-style (leftmost placement, unchanged base first): chr3-120674976-AC-A. GRCh37 (hg19) VCF-style: chr3-120393823-AC-A.
Other names: short protein forms V34fs.
Identifiers: ClinVar variation 2808049 (VCV002808049.3), dbSNP rs2472801424, ClinGen allele CA2739279625.